The following is an entry in ClinVar:

ClinVar aggregate classification (germline): Uncertain significance (1 of 4 stars; one submission).

Conditions:
Chédiak-Higashi syndrome (CHS). Also called: Chediak-Higashi Syndrome. Identifiers: Orphanet 167, MedGen C0007965, MONDO:0008963, OMIM 214500.

Allele frequency attached by ClinVar (database versions not stated): gnomAD exomes below 0.00001; TOPMed below 0.00001.
gnomAD v4.1: 6 of 1,613,098 alleles (0.00037%); highest among the groups gnomAD compares: East Asian, 0.0067%; no homozygotes.

Submission:

Labcorp Genetics (formerly Invitae), Labcorp
Classification: Uncertain significance for Chédiak-Higashi syndrome. Last evaluated: 2021-08-27. Review status: criteria provided, single submitter. Criteria: Invitae Variant Classification Sherloc (09022015). Collection method: clinical testing. Allele origin: germline.
Comment: This sequence change replaces isoleucine with valine at codon 2011 of the LYST protein (p.Ile2011Val). The isoleucine residue is weakly conserved and there is a small physicochemical difference between isoleucine and valine. This variant is not present in population databases (ExAC no frequency). This variant has not been reported in the literature in individuals affected with LYST-related conditions. Algorithms developed to predict the effect of missense changes on protein structure and function output the following: SIFT: "Tolerated"; PolyPhen-2: "Benign"; Align-GVGD: "Class C0". The valine amino acid residue is found in multiple mammalian species, which suggests that this missense change does not adversely affect protein function. Algorithms developed to predict the effect of sequence changes on RNA splicing suggest that this variant may create or strengthen a splice site. In summary, the available evidence is currently insufficient to determine the role of this variant in disease. Therefore, it has been classified as a Variant of Uncertain Significance.

NM_000081.4(LYST):c.6031A>G (p.Ile2011Val)

Gene: LYST (lysosomal trafficking regulator; minus strand). Cytogenetic location: 1q42.3.
Variant type: single nucleotide variant.
Coding change: c.6031A>G on transcript NM_000081.4 (MANE Select); coding-DNA position 6031, A replaced by G.
Protein change: p.Ile2011Val; replaces isoleucine 2011 with valine.
Molecular consequence: missense variant.
Genome position (GRCh38, 1-based): chr1:235,766,169, T>C on the plus strand (A>G on the coding strand, the complement: LYST is on the minus strand). VCF-style: chr1-235766169-T-C. GRCh37 (hg19) VCF-style: chr1-235929469-T-C.
Other names: c.6031A>G, p.Ile2011Val (NM_001301365.1); short protein forms I2011V.
Identifiers: ClinVar variation 1520247 (VCV001520247.5), dbSNP rs1291954184, ClinGen allele CA344947427.